The following is an entry in ClinVar:

NM_000179.3(MSH6):c.2180C>A (p.Thr727Asn)

Gene: MSH6 (mutS homolog 6; plus strand). Cytogenetic location: 2p16.3.
Variant type: single nucleotide variant.
Coding change: c.2180C>A on transcript NM_000179.3 (MANE Select); coding-DNA position 2180, C replaced by A.
Protein change: p.Thr727Asn; replaces threonine 727 with asparagine.
Molecular consequence: missense variant.
Genome position (GRCh38, 1-based): chr2:47,800,163, C>A. VCF-style: chr2-47800163-C-A. GRCh37 (hg19) VCF-style: chr2-48027302-C-A.
Other names: c.1790C>A, p.Thr597Asn (NM_001281492.2); c.1274C>A, p.Thr425Asn (NM_001281493.2, NM_001281494.2); short protein forms T727N, T425N, T597N.
Identifiers: ClinVar variation 653878 (VCV000653878.18), dbSNP rs767861096, ClinGen allele CA068562.

ClinVar aggregate classification (germline): Conflicting classifications of pathogenicity. Review status: criteria provided, conflicting classifications (1 of 4 stars). 7 submissions from 7 submitters: Uncertain significance (6); Likely benign (1). Last evaluated 2025-10-19.

Conditions:
Hereditary nonpolyposis colorectal neoplasms. Identifiers: MedGen C0009405, MeSH D003123.
Endometrial carcinoma. Also called: Endometrial carcinoma, somatic. Identifiers: MedGen C0476089, MONDO:0002447, OMIM 608089, HP:0012114.
Hereditary cancer-predisposing syndrome. Also called: Neoplastic Syndromes, Hereditary; Hereditary Cancer Syndrome; Tumor predisposition; Hereditary neoplastic syndrome. Identifiers: Orphanet 140162, MedGen C0027672, MeSH D009386, MONDO:0015356.

Allele frequency attached by ClinVar (database versions not stated): gnomAD exomes below 0.00001.
gnomAD v4.1: 1 of 1,614,142 alleles (0.000062%); highest among the groups gnomAD compares: South Asian, 0.0011%; no homozygotes.

Submissions (7):

Labcorp Genetics (formerly Invitae), Labcorp
Classification: Likely benign for Hereditary nonpolyposis colorectal neoplasms. Last evaluated: 2025-10-19. Review status: criteria provided, single submitter. Criteria: Invitae Variant Classification Sherloc (09022015). Collection method: clinical testing. Allele origin: germline.

Ambry Genetics
Classification: Uncertain significance for Hereditary cancer-predisposing syndrome. Last evaluated: 2025-04-16. Review status: criteria provided, single submitter. Criteria: Ambry Variant Classification Scheme 2023. Collection method: clinical testing. Allele origin: germline.
Comment: The p.T727N variant (also known as c.2180C>A), located in coding exon 4 of the MSH6 gene, results from a C to A substitution at nucleotide position 2180. The threonine at codon 727 is replaced by asparagine, an amino acid with similar properties. This amino acid position is poorly conserved in available vertebrate species. In addition, this alteration is predicted to be tolerated by in silico analysis. Based on the available evidence, the clinical significance of this variant remains unclear.

Baylor Genetics
Classification: Uncertain significance for Endometrial carcinoma. Last evaluated: 2023-12-15. Review status: criteria provided, single submitter. Criteria: ACMG Guidelines, 2015. Collection method: clinical testing. Allele origin: unknown.

Women's Health and Genetics/Laboratory Corporation of America, LabCorp
Classification: Uncertain significance. Last evaluated: 2022-10-21. Review status: criteria provided, single submitter. Criteria: LabCorp Variant Classification Summary - May 2015. Collection method: clinical testing. Allele origin: germline.

Blueprint Genetics
Classification: Uncertain significance. Last evaluated: 2022-02-08. Review status: criteria provided, single submitter. Criteria: ACMG Guidelines, 2015. Collection method: clinical testing. Allele origin: germline.

Sema4
Classification: Uncertain significance for Hereditary cancer-predisposing syndrome. Last evaluated: 2021-08-25. Review status: criteria provided, single submitter. Criteria: Sema4 Curation Guidelines. Collection method: curation. Allele origin: germline.
Comment: The MSH6 c.2180C>A (p.T727N) variant has not been reported in literature to our knowledge. This variant was observed in 1/250942 chromosomes in the large and broad cohorts of the Genome Aggregation Database (PMID: 32461654). This variant has been reported in ClinVar (Variation ID 653878). Functional studies have not been performed, and in silico predictions of the variant's effect on protein function are inconclusive. The overall evidence is insufficient to meet ACMG/AMP criteria for classifying it as benign or pathogenic. In summary, the clinical significance of this variant is currently uncertain.

Color Diagnostics, LLC DBA Color Health
Classification: Uncertain significance for Hereditary cancer-predisposing syndrome. Last evaluated: 2019-12-12. Review status: criteria provided, single submitter. Criteria: ACMG Guidelines, 2015. Collection method: clinical testing. Allele origin: germline.
Comment: This missense variant replaces threonine with asparagine at codon 727 of the MSH6 protein. Computational prediction suggests that this variant may not impact protein structure and function (internally defined REVEL score threshold <= 0.5, PMID: 27666373). Splice site prediction tools suggest that this variant may not impact RNA splicing. To our knowledge, functional studies have not been performed for this variant. This variant has not been reported in individuals affected with hereditary cancer in the literature. This variant has been identified in 1/250942 chromosomes in the general population by the Genome Aggregation Database (gnomAD). The available evidence is insufficient to determine the role of this variant in disease conclusively. Therefore, this variant is classified as a Variant of Uncertain Significance.